The following is an entry in ClinVar:

ClinVar aggregate classification (germline): Pathogenic. Review status: criteria provided, multiple submitters, no conflicts (2 of 4 stars). 5 submissions from 5 submitters: Pathogenic (4). 1 of the submissions does not count toward it. Last evaluated 2024-06-14.

Conditions:
SCN8A-related disorder.
Early-infantile DEE. Also called: Ohtahara syndrome; Early infantile epileptic encephalopathy with suppression bursts; Early infantile epileptic encephalopathy. Identifiers: Orphanet 1934, MedGen C0393706, MONDO:0800491.
Developmental and epileptic encephalopathy, 13 (DEE13). Also called: Early infantile epileptic encephalopathy 13; SCN8A-Related Epilepsy; Developmental and Epileptic Encephalopathy (SCN8A-DEE). Identifiers: Orphanet 442835, MedGen C3281191, MONDO:0013801, OMIM 614558.

Submissions (6):

GeneDx
Classification: Pathogenic. Last evaluated: 2024-06-14. Review status: criteria provided, single submitter. Criteria: GeneDx Variant Classification Process June 2021. Collection method: clinical testing. Allele origin: germline. Affected: yes.
Comment: Not observed at significant frequency in large population cohorts (gnomAD); In silico analysis indicates that this missense variant does not alter protein structure/function; This substitution is predicted to be within the transmembrane segment S5 of the third homologous domain; This variant is associated with the following publications: (PMID: 24352161, 32090326, 35365919, 36007526, 37432431, 35982159, 27375106, 26993267, 25799905)

Labcorp Genetics (formerly Invitae), Labcorp
Classification: Pathogenic for Early-infantile DEE. Last evaluated: 2024-06-09. Review status: criteria provided, single submitter. Criteria: Invitae Variant Classification Sherloc (09022015). Collection method: clinical testing. Allele origin: germline.
Comment: This sequence change replaces isoleucine, which is neutral and non-polar, with valine, which is neutral and non-polar, at codon 1327 of the SCN8A protein (p.Ile1327Val). This variant is not present in population databases (gnomAD no frequency). This missense change has been observed in individual(s) with epileptic encephalopathy (PMID: 24352161, 25799905, 26993267). In at least one individual the variant was observed to be de novo. ClinVar contains an entry for this variant (Variation ID: 253288). Advanced modeling of protein sequence and biophysical properties (such as structural, functional, and spatial information, amino acid conservation, physicochemical variation, residue mobility, and thermodynamic stability) performed at Invitae indicates that this missense variant is expected to disrupt SCN8A protein function with a positive predictive value of 95%. Experimental studies have shown that this missense change affects SCN8A function (PMID: 27375106). For these reasons, this variant has been classified as Pathogenic.

Athena Diagnostics
Classification: Pathogenic. Last evaluated: 2020-10-01. Review status: criteria provided, single submitter. Criteria: Athena Diagnostics Criteria. Collection method: clinical testing. Allele origin: unknown.
Comment: This variant has not been reported in large, multi-ethnic general populations.

Rady Children's Institute for Genomic Medicine, Rady Children's Hospital San Diego
Classification: Pathogenic for SCN8A-related disorder. Review status: criteria provided, single submitter. Criteria: ACMG Guidelines, 2015. Collection method: clinical testing. Allele origin: germline. Affected: yes.
Comment: This variant has been previously reported as a de novo heterozygous change and as a heterozygous change of unknown inheritance in several individuals with SCN8A-related early-infantile epileptic encephalopathy (PMID: 24352161, 25799905, 31010614, 30078772, 26993267, 33915942). In-vitro functional studies showed that the p.Ile1327Val variant leads to an impaired channel inactivation suggesting a gain-of-function effect (PMID: 24352161, 27375106). The p.Ile1327Val variant is absent from the gnomAD population database and thus is presumed to be rare. The c.3979A>G (p.Ile1327Val) variant affects a highly conserved amino acid and is predicted by multiple in silico tools to have a deleterious effect on protein function. Based on the available evidence, the c.3979A>G (p.Ile1327Val) variant is classified as Pathogenic.

Channelopathy-Associated Epilepsy Research Center
No classification provided (evidence only). Condition: Complex neurodevelopmental disorder. Review status: no classification provided. Collection method: literature only. Allele origin: not applicable. Functional consequence: Normal peak current, Mild hyperpolarizing shift of voltage dependence of activation, Decrease in slope of activation, Depolarizing shift of voltage dependence of fast inactivation, Normal slope of fast inactivation, Acceleration of deactivation, Normal rate of recovery from fast inactivation, Overall gain-of-function effect with respect to biophysical channel activity. Not counted in ClinVar's aggregate classification.
ClinVar note: "not provided" was previously submitted as the classification for the variant. However, the classification appeared to be based only on an observation of functional data so it was converted to no classification on 2025-07-30.

GeneReviews
No classification provided. Condition: Developmental and epileptic encephalopathy, 13. Review status: no classification provided. Collection method: literature only. Allele origin: germline. Affected: yes. Not counted in ClinVar's aggregate classification.

Literature cited by the submitters: PubMed 24352161 (cited by Labcorp Genetics (formerly Invitae), Labcorp and GeneReviews); PubMed 25799905 (cited by Labcorp Genetics (formerly Invitae), Labcorp and GeneReviews); PubMed 26993267 (cited by Labcorp Genetics (formerly Invitae), Labcorp); PubMed 27375106 (cited by Labcorp Genetics (formerly Invitae), Labcorp and Channelopathy-Associated Epilepsy Research Center); NCBI Bookshelf NBK379665 (cited by GeneReviews).

NM_001330260.2(SCN8A):c.3979A>G (p.Ile1327Val)

Gene: SCN8A (sodium voltage-gated channel alpha subunit 8; plus strand). Cytogenetic location: 12q13.13.
Variant type: single nucleotide variant.
Coding change: c.3979A>G on transcript NM_001330260.2 (MANE Select); coding-DNA position 3979, A replaced by G.
Protein change: p.Ile1327Val; replaces isoleucine 1327 with valine.
Molecular consequence: missense variant.
Genome position (GRCh38, 1-based): chr12:51,786,578, A>G. VCF-style: chr12-51786578-A-G. GRCh37 (hg19) VCF-style: chr12-52180362-A-G.
Other names: c.3856A>G, p.Ile1286Val (NM_001177984.3, NM_001369788.1); c.3979A>G, p.Ile1327Val (NM_014191.4); short protein forms I1327V, I1286V.
Identifiers: ClinVar variation 253288 (VCV000253288.12), dbSNP rs879255704, ClinGen allele CA10586295.